The following is an entry in ClinVar:

NM_005560.6(LAMA5):c.10132CTC[2] (p.Leu3380del)

Gene: LAMA5 (laminin subunit alpha 5; minus strand). Cytogenetic location: 20q13.33.
Variant type: Microsatellite.
Coding change: c.10132CTC[2] on transcript NM_005560.6 (MANE Select); two copies in a row of the 3-base unit CTC starting at c.10132; the reference has three copies in a row; one copy, 3 bases deleted.
Protein change: p.Leu3380del; deletes leucine 3380.
Molecular consequence: inframe deletion.
Genome position (GRCh38, 1-based): chr20:62,311,043-62,311,045, GAG deleted on the plus strand (CTC on the coding strand, the reverse complement: LAMA5 is on the minus strand); deleting any 3 consecutive bases within chr20:62,311,043-62,311,052 gives the same sequence; the position shown is the placement nearest the transcript's 3' end. VCF-style (leftmost placement, unchanged base first): chr20-62311042-AGAG-A. GRCh37 (hg19) VCF-style: chr20-60886098-AGAG-A.
Other names: short protein forms L3380del.
Identifiers: ClinVar variation 2916711 (VCV002916711.1), dbSNP rs759410977, ClinGen allele CA9939901.
Genomic context (GRCh38, chr20:62,311,042, plus strand): 5'-AGTGGCCATTGCTCAGGAAGAGCGCCAGGGAGGGGCTGCCGGGCCTCAGACGGGCAGTGA[AGAG>A]GAGGAGGCCTCGGGAGCTTCGCGGGAGGACGTGCATGGAGAGACTGGGCCTGGAAGCGGA-3'

ClinVar aggregate classification (germline): Uncertain significance (1 of 4 stars; one submission).

Submission:

Labcorp Genetics (formerly Invitae), Labcorp
Classification: Uncertain significance. Last evaluated: 2024-01-04. Review status: criteria provided, single submitter. Criteria: Invitae Variant Classification Sherloc (09022015). Collection method: clinical testing. Allele origin: germline.
Comment: This variant, c.10138_10140del, results in the deletion of 1 amino acid(s) of the LAMA5 protein (p.Leu3380del), but otherwise preserves the integrity of the reading frame. This variant is present in population databases (rs759410977, gnomAD 0.01%). This variant has not been reported in the literature in individuals affected with LAMA5-related conditions. Experimental studies and prediction algorithms are not available or were not evaluated, and the functional significance of this variant is currently unknown. In summary, the available evidence is currently insufficient to determine the role of this variant in disease. Therefore, it has been classified as a Variant of Uncertain Significance.